The following is an entry in ClinVar:

ClinVar aggregate classification (germline): Conflicting classifications of pathogenicity. Review status: criteria provided, conflicting classifications (1 of 4 stars). 6 submissions from 6 submitters: Uncertain significance (1); Benign (2); Likely benign (2). 1 of the submissions does not count toward it. Last evaluated 2025-08-18.

Conditions:
Type 2 diabetes mellitus. Also called: Type II diabetes mellitus. Identifiers: MedGen C0011860, MeSH D003924, MONDO:0005148, OMIM 125853, HP:0005978.
Hypoinsulinemic hypoglycemia and body hemihypertrophy. Also called: Hypoinsulinemic hypoglycemia and hemihypertrophy. Identifiers: Orphanet 293964, MedGen C3278384, MONDO:0009416, OMIM 240900.
AKT2-related disorder. Also called: AKT2-related condition.

Allele frequency attached by ClinVar (database versions not stated): ESP Exome Variant Server 0.00031; ExAC 0.00176; gnomAD exomes 0.00185 and 0.00112; TOPMed 0.00046; 1000 Genomes Project 30x 0.00109; 1000 Genomes Project 0.00120; gnomAD 0.00172 and 0.00174.
gnomAD v4.1: 1,889 of 1,613,974 alleles (0.12%); highest among the groups gnomAD compares: Non-Finnish European, 0.075%; 4 homozygotes.

Submissions (6):

Labcorp Genetics (formerly Invitae), Labcorp
Classification: Benign for Hypoinsulinemic hypoglycemia and body hemihypertrophy; Type 2 diabetes mellitus. Last evaluated: 2025-08-18. Review status: criteria provided, single submitter. Criteria: Invitae Variant Classification Sherloc (09022015). Collection method: clinical testing. Allele origin: germline.

Blueprint Genetics
Classification: Likely benign. Last evaluated: 2024-10-22. Review status: criteria provided, single submitter. Criteria: ACMG Guidelines, 2015. Collection method: clinical testing. Allele origin: germline.

CeGaT Center for Human Genetics Tuebingen
Classification: Benign. Last evaluated: 2022-07-01. Review status: criteria provided, single submitter. Criteria: CeGaT Center For Human Genetics Tuebingen Variant Classification Criteria Version 2. Collection method: clinical testing. Allele origin: germline. Affected: yes. Observed: 2 variant alleles.
Comment: AKT2: BS1, BS2

Genetic Services Laboratory, University of Chicago
Classification: Likely benign. Last evaluated: 2016-04-22. Review status: criteria provided, single submitter. Criteria: ACMG Guidelines, 2015. Collection method: clinical testing. Allele origin: germline. Affected: no.

Clinical Genomics, Uppaluri K&H Personalized Medicine Clinic
Classification: Uncertain significance for Type 2 diabetes mellitus. Review status: criteria provided, single submitter. Criteria: K And H Uppaluri Personalized Medicine Clinic Variant Classification And Assertion Criteria Updated V 2. Collection method: research. Allele origin: unknown. Inheritance: Autosomal dominant inheritance.
Comment: Potent mutationsin AKT2 gene are associated with familial partial lipodystrophy and in terms of metabolic abnormality, can present with insulin resistance, hyperglycemia and diabetes.However, more evidence is required to confer the association of this particular variant rs150000674 with Diabetes

PreventionGenetics, part of Exact Sciences
Classification: Benign for AKT2-related condition. Last evaluated: 2024-08-29. Review status: no assertion criteria provided. Collection method: clinical testing. Allele origin: germline. Not counted in ClinVar's aggregate classification.
Comment: This variant is classified as benign based on ACMG/AMP sequence variant interpretation guidelines (Richards et al. 2015 PMID: 25741868, with internal and published modifications).

Literature cited by the submitters: PubMed 16722806 (cited by Clinical Genomics, Uppaluri K&H Personalized Medicine Clinic); PubMed 21518566 (cited by Clinical Genomics, Uppaluri K&H Personalized Medicine Clinic); PubMed 15166380 (cited by Clinical Genomics, Uppaluri K&H Personalized Medicine Clinic).

NM_001626.6(AKT2):c.945G>A (p.Glu315=)

Gene: AKT2 (AKT serine/threonine kinase 2; minus strand). Cytogenetic location: 19q13.2.
Variant type: single nucleotide variant.
Coding change: c.945G>A on transcript NM_001626.6 (MANE Select); coding-DNA position 945, G replaced by A.
Protein change: p.Glu315=; no amino-acid change (glutamic acid 315 retained).
Molecular consequence: synonymous variant. On other transcripts: intron variant (1).
Genome position (GRCh38, 1-based): chr19:40,236,272, C>T on the plus strand (G>A on the coding strand, the complement: AKT2 is on the minus strand). VCF-style: chr19-40236272-C-T. GRCh37 (hg19) VCF-style: chr19-40742179-C-T.
Other names: c.945G>A, p.Glu315= (LRG_1391t1); c.759G>A, p.Glu253= (NM_001243027.3, NM_001243028.3); c.832-168G>A (NM_001330511.1).
Identifiers: ClinVar variation 434116 (VCV000434116.51), dbSNP rs150000674, ClinGen allele CA9441632.
Genomic context (GRCh38, chr19:40,236,272, plus strand): 5'-CTACCCTTGGCCTCACACGTTCCTACCCCCACCAACCCCAGACACCTCAGGCGCCAGGTA[C>T]TCCGGGGTCCCACAGAAGGTTTTCATGGTGGCCCCGTCACTGATGCCCTCTTTGCAGAGG-3'
Protein context (NP_001617.1, residues 305-325): ATMKTFCGTP[Glu315=]YLAPEVLEDN